The following is an entry in ClinVar:

ClinVar aggregate classification (germline): Uncertain significance. Review status: criteria provided, multiple submitters, no conflicts (2 of 4 stars). 2 submissions from 2 submitters: Uncertain significance (2). Last evaluated 2025-10-21.

Allele frequency attached by ClinVar (database versions not stated): TOPMed below 0.00001; gnomAD exomes 0.00001.
gnomAD v4.1: 11 of 1,612,662 alleles (0.00068%); highest among the groups gnomAD compares: East Asian, 0.0022%; no homozygotes.

Submissions (2):

Labcorp Genetics (formerly Invitae), Labcorp
Classification: Uncertain significance. Last evaluated: 2025-10-21. Review status: criteria provided, single submitter. Criteria: Invitae Variant Classification Sherloc (09022015). Collection method: clinical testing. Allele origin: germline.
Comment: This sequence change replaces threonine, which is neutral and polar, with alanine, which is neutral and non-polar, at codon 196 of the RASA2 protein (p.Thr196Ala). This variant is not present in population databases (gnomAD no frequency). This variant has not been reported in the literature in individuals affected with RASA2-related conditions. ClinVar contains an entry for this variant (Variation ID: 930762). Invitae Evidence Modeling of protein sequence and biophysical properties (such as structural, functional, and spatial information, amino acid conservation, physicochemical variation, residue mobility, and thermodynamic stability) indicates that this missense variant is not expected to disrupt RASA2 protein function with a negative predictive value of 80%. In summary, the available evidence is currently insufficient to determine the role of this variant in disease. Therefore, it has been classified as a Variant of Uncertain Significance.

Centre for Mendelian Genomics, University Medical Centre Ljubljana
Classification: Uncertain significance. Last evaluated: 2019-09-09. Review status: criteria provided, single submitter. Criteria: ACMG Guidelines, 2015. Collection method: clinical testing. Allele origin: unknown. Affected: yes.
Comment: This variant was classified as: Uncertain significance. The available evidence on this variant's pathogenicity is insufficient or conflicting. The following ACMG criteria were applied in classifying this variant: PM2,BS2.

NM_006506.5(RASA2):c.586A>G (p.Thr196Ala)

Gene: RASA2 (RAS p21 protein activator 2; plus strand). Cytogenetic location: 3q23.
Variant type: single nucleotide variant.
Coding change: c.586A>G on transcript NM_006506.5 (MANE Select); coding-DNA position 586, A replaced by G.
Protein change: p.Thr196Ala; replaces threonine 196 with alanine.
Molecular consequence: missense variant.
Genome position (GRCh38, 1-based): chr3:141,553,915, A>G. VCF-style: chr3-141553915-A-G. GRCh37 (hg19) VCF-style: chr3-141272757-A-G.
Other names: c.586A>G, p.Thr196Ala (NM_001303245.3, NM_001303246.3); short protein forms T196A.
Identifiers: ClinVar variation 930762 (VCV000930762.4), dbSNP rs2082610179, ClinGen allele CA354772532.
Genomic context (GRCh38, chr3:141,553,915, plus strand): 5'-AGCATCAAGGCATGCCATGGGTTGCCTCTCATAAATGGCCAAAGCTGTGACCCTTATGCA[A>G]CAGTTTCTCTAGTGGGCCCTTCTAGGTAATATTTATTGAATTATTATTAGGTTTTAAAGT-3'
Protein context (NP_006497.2, residues 186-206): INGQSCDPYA[Thr196Ala]VSLVGPSRND